The following is an entry in ClinVar:

NC_000023.10:g.(31792310_31838091)_(31893491_31947712)del

Gene: DMD (dystrophin; minus strand). Cytogenetic location: Xp21.1.
Variant type: Deletion.
Identifiers: ClinVar variation 992239 (VCV000992239.1).

ClinVar aggregate classification (germline): Pathogenic (1 of 4 stars; one submission).

Conditions:
Neuromuscular disease caused by qualitative or quantitative defects of dystrophin. Also called: Qualitative or quantitative defects of dystrophin. Identifiers: Orphanet 207085, MedGen C5679787, MONDO:0016147.

Submission:

Women's Health and Genetics/Laboratory Corporation of America, LabCorp
Classification: Pathogenic for Dystrophinopathies. Last evaluated: 2020-12-04. Review status: criteria provided, single submitter. Criteria: LabCorp Variant Classification Summary - May 2015. Collection method: clinical testing. Allele origin: germline.
Comment: Variant summary: The variant identified by MLPA or other technology involves the deletion of exons 48-50 in the DMD gene. A presumed nomenclature of c.(6912+1_6913-1)_(7309+1_7310-1)del has been designated for the purposes of this classification. Although exact breakpoints of this deletion are not known, it is expected to result in a frameshift deletion change in the DMD gene, a known mechanism of disease. The variant was absent in about 15000 control chromosomes (gnomAD structural variants dataset). The variant, c.(6912+1_6913-1)_(7309+1_7310-1)del, has been reported in the literature in several individuals affected with Dystrophinopathies (e.g. Herczegfalvi_1999, Prior_2005, Zamani_2015). These data indicate that the variant is very likely to be associated with disease. To our knowledge, no experimental evidence demonstrating an impact on protein function has been reported. At least one clinical diagnostic laboratory has submitted clinical-significance assessments for this variant to ClinVar after 2014, and classified the variant as pathogenic. Based on the evidence outlined above, the variant was classified as pathogenic.

Literature cited by the submitters: PubMed 16049303; PubMed 26081009; PubMed 10619712.